The following is an entry in ClinVar:

NC_000002.11:g.(?_32379423)_(32379565_?)dup

Gene: SPAST (spastin; plus strand). Cytogenetic location: 2p22.3.
Variant type: Duplication.
Identifiers: ClinVar variation 2426010 (VCV002426010.2).

ClinVar aggregate classification (germline): Uncertain significance (1 of 4 stars; one submission).

Conditions:
Hereditary spastic paraplegia 4. Also called: Spastic paraplegia 4, autosomal dominant; Spastic Paraplegia 4; Familial spastic paraplegia autosomal dominant 2. Identifiers: Orphanet 100985, MedGen C1866855, MONDO:0008438, OMIM 182601.

Submission:

Labcorp Genetics (formerly Invitae), Labcorp
Classification: Uncertain significance for Hereditary spastic paraplegia 4. Last evaluated: 2022-04-18. Review status: criteria provided, single submitter. Criteria: Invitae Variant Classification Sherloc (09022015). Collection method: clinical testing. Allele origin: germline.
Comment: Experimental studies and prediction algorithms are not available or were not evaluated, and the functional significance of this variant is currently unknown. This variant results in a copy number gain of the genomic region encompassing exon(s) 17 of the SPAST gene. This region includes the termination codon of the gene. This copy number gain extends beyond the assayed region for this gene and therefore may encompass additional genes. As the precise location of this event is unknown, it may be in tandem or it may be located elsewhere in the genome. This variant has not been reported in the literature in individuals affected with SPAST-related conditions. In summary, the available evidence is currently insufficient to determine the role of this variant in disease. Therefore, it has been classified as a Variant of Uncertain Significance.